The following is an entry in ClinVar:

ClinVar aggregate classification (germline): Uncertain significance (1 of 4 stars; one submission).

Submission:

GeneDx
Classification: Uncertain significance. Last evaluated: 2024-12-14. Review status: criteria provided, single submitter. Criteria: GeneDx Variant Classification Process June 2021. Collection method: clinical testing. Allele origin: germline. Affected: yes.
Comment: Not observed at significant frequency in large population cohorts (gnomAD); In silico analysis supports that this missense variant has a deleterious effect on protein structure/function; In silico analysis suggests this variant may impact gene splicing. In the absence of RNA/functional studies, the actual effect of this sequence change is unknown.; Has not been previously published as pathogenic or benign to our knowledge

NM_006245.4(PPP2R5D):c.1100A>G (p.Lys367Arg)

Gene: PPP2R5D (protein phosphatase 2 regulatory subunit B'delta; plus strand). Cytogenetic location: 6p21.1.
Variant type: single nucleotide variant.
Coding change: c.1100A>G on transcript NM_006245.4 (MANE Select); coding-DNA position 1100, A replaced by G.
Protein change: p.Lys367Arg; replaces lysine 367 with arginine.
Molecular consequence: missense variant.
Genome position (GRCh38, 1-based): chr6:43,009,076, A>G. VCF-style: chr6-43009076-A-G. GRCh37 (hg19) VCF-style: chr6-42976814-A-G.
Other names: c.647A>G, p.Lys216Arg (NM_001270476.2); c.1004A>G, p.Lys335Arg (NM_180976.3); c.782A>G, p.Lys261Arg (NM_180977.3); short protein forms K216R, K261R, K335R, K367R.
Identifiers: ClinVar variation 3903226 (VCV003903226.1).